The following is an entry in ClinVar:

NM_022132.5(MCCC2):c.1346dup (p.Asn449fs)

Gene: MCCC2 (methylcrotonyl-CoA carboxylase subunit 2; plus strand). Cytogenetic location: 5q13.2.
Variant type: Duplication.
Coding change: c.1346dup on transcript NM_022132.5 (MANE Select); coding-DNA position 1346, one base duplicated (A; older notation c.1346dupA).
Protein change: p.Asn449fs; shifts the reading frame from asparagine 449.
Molecular consequence: frameshift variant.
Genome position (GRCh38, 1-based): chr5:71,649,226, A duplicated; the last of 3 consecutive A bases (chr5:71,649,224-71,649,226); duplicating any one gives the same sequence. VCF-style (leftmost placement, unchanged base first): chr5-71649223-G-GA. GRCh37 (hg19) VCF-style: chr5-70945050-G-GA.
Other names: c.1232dup, p.Asn411fs (NM_001363147.1); short protein forms N411fs, N449fs.
Identifiers: ClinVar variation 5015912 (VCV005015912.1).

ClinVar aggregate classification (germline): Pathogenic (1 of 4 stars; one submission).

Conditions:
3-methylcrotonyl-CoA carboxylase 2 deficiency. Also called: METHYLCROTONYLGLYCINURIA, TYPE II; 3 alpha methylcrotonyl-CoA carboxylase 2 deficiency; 3 alpha methylcrotonylglycinuria 2; MCC 2 deficiency; Methylcrotonylglycinuria type 2. Identifiers: Orphanet 6, MedGen C1859499, MONDO:0008862, OMIM 210210.

Submission:

Myriad Genetics, Inc.
Classification: Pathogenic for 3-methylcrotonyl-CoA carboxylase 2 deficiency. Last evaluated: 2026-05-14. Review status: criteria provided, single submitter. Criteria: Myriad Autosomal Dominant, Autosomal Recessive and X-Linked Classification Criteria (2023). Collection method: clinical testing. Allele origin: unknown.
Comment: NM_022132.4(MCCC2):c.1346dupA(N449Kfs*10) is expected to be pathogenic in the context of 3-methylcrotonyl-CoA carboxylase deficiency, MCCC2-related. This variant is predicted to lead to an abnormal or absent protein product due to the creation of a premature termination codon in MCCC2, a gene where loss-of-function variants are known to be pathogenic. Please note: this variant was assessed in the context of healthy population screening.